The following is an entry in ClinVar:

NM_007190.4(SEC23IP):c.2970A>G (p.Thr990=)

Gene: SEC23IP (SEC23 interacting protein; plus strand). Cytogenetic location: 10q26.12.
Variant type: single nucleotide variant.
Coding change: c.2970A>G on transcript NM_007190.4 (MANE Select); coding-DNA position 2970, A replaced by G.
Protein change: p.Thr990=; no amino-acid change (threonine 990 retained).
Molecular consequence: synonymous variant. On other transcripts: non-coding transcript variant (1).
Genome position (GRCh38, 1-based): chr10:119,933,734, A>G. VCF-style: chr10-119933734-A-G. GRCh37 (hg19) VCF-style: chr10-121693246-A-G.
Other names: c.2967A>G, p.Thr989= (NM_001411070.1).
Identifiers: ClinVar variation 3056457 (VCV003056457.2), dbSNP rs34826964, ClinGen allele CA5718984.

ClinVar aggregate classification (germline): Benign (0 of 4 stars; one submission).

Conditions:
SEC23IP-related disorder. Also called: SEC23IP-related condition.

Allele frequency attached by ClinVar (database versions not stated): ESP Exome Variant Server 0.03944; TOPMed 0.04409; gnomAD 0.05474; gnomAD exomes 0.06865; ExAC 0.09232; 1000 Genomes Project 30x 0.10493; 1000 Genomes Project 0.11661.
gnomAD v4.1: 107,565 of 1,594,410 alleles (6.7%); highest among the groups gnomAD compares: South Asian, 25%; 6,289 homozygotes.

Submission:

PreventionGenetics, part of Exact Sciences
Classification: Benign for SEC23IP-related condition. Last evaluated: 2019-10-21. Review status: no assertion criteria provided. Collection method: clinical testing. Allele origin: germline.
Comment: This variant is classified as benign based on ACMG/AMP sequence variant interpretation guidelines (Richards et al. 2015 PMID: 25741868, with internal and published modifications).